The following is an entry in ClinVar:

ClinVar aggregate classification (germline): Uncertain significance (1 of 4 stars; one submission).

gnomAD v4.1: 1 of 1,613,902 alleles (0.000062%); highest among the groups gnomAD compares: Non-Finnish European, 0.000085%; no homozygotes.

Submission:

Labcorp Genetics (formerly Invitae), Labcorp
Classification: Uncertain significance. Last evaluated: 2021-03-05. Review status: criteria provided, single submitter. Criteria: Invitae Variant Classification Sherloc (09022015). Collection method: clinical testing. Allele origin: germline.
Comment: This variant has not been reported in the literature in individuals with VCAN-related conditions. In summary, the available evidence is currently insufficient to determine the role of this variant in disease. Therefore, it has been classified as a Variant of Uncertain Significance. Algorithms developed to predict the effect of missense changes on protein structure and function output the following: SIFT: "Deleterious"; PolyPhen-2: "Benign"; Align-GVGD: "Class C0". The methionine amino acid residue is found in multiple mammalian species, suggesting that this missense change does not adversely affect protein function. These predictions have not been confirmed by published functional studies and their clinical significance is uncertain. This variant is not present in population databases (ExAC no frequency). This sequence change replaces leucine with methionine at codon 2741 of the VCAN protein (p.Leu2741Met). The leucine residue is highly conserved and there is a small physicochemical difference between leucine and methionine.

NM_004385.5(VCAN):c.8221T>A (p.Leu2741Met)

Genes: VCAN (versican; plus strand), VCAN-AS1 (VCAN antisense RNA 1; minus strand). Cytogenetic location: 5q14.3.
Variant type: single nucleotide variant.
Coding change: c.8221T>A on transcript NM_004385.5 (MANE Select); coding-DNA position 8221, T replaced by A.
Protein change: p.Leu2741Met; replaces leucine 2741 with methionine.
Molecular consequence: missense variant. On other transcripts: intron variant (2).
Genome position (GRCh38, 1-based): chr5:83,541,224, T>A. VCF-style: chr5-83541224-T-A. GRCh37 (hg19) VCF-style: chr5-82837043-T-A.
Other names: c.5260T>A, p.Leu1754Met (NM_001164097.2); c.4004-4313T>A (NM_001164098.2); c.1043-4313T>A (NM_001126336.3); short protein forms L1754M, L2741M.
Identifiers: ClinVar variation 1014843 (VCV001014843.8), dbSNP rs774714776, ClinGen allele CA360316438.
Genomic context (GRCh38, chr5:83,541,224, plus strand): 5'-GAATCAAGCACTTTGTCTGATGGTCAAGCTATTGCAGACCAAAGTGAAATAATACCAACA[T>A]TGGGCCAATTTGAAAGGACTCAGGAGGAGTATGAAGACAAAAAACATGCTGGTCCTTCTT-3'
Protein context (NP_004376.2, residues 2731-2751): IADQSEIIPT[Leu2741Met]GQFERTQEEY